The following is an entry in ClinVar:

ClinVar aggregate classification (germline): Uncertain significance (1 of 4 stars; one submission).

Conditions:
Familial acute necrotizing encephalopathy (IIAE3). Also called: Susceptibility to Acute Necrotizing Encephalopathy 1; ENCEPHALOPATHY, ACUTE, INFECTION-INDUCED, SUSCEPTIBILITY TO, 3. Identifiers: Orphanet 88619, MedGen C2675556, MONDO:0011953, OMIM 608033.

Submission:

Labcorp Genetics (formerly Invitae), Labcorp
Classification: Uncertain significance for Familial acute necrotizing encephalopathy. Last evaluated: 2018-08-02. Review status: criteria provided, single submitter. Criteria: Invitae Variant Classification Sherloc (09022015). Collection method: clinical testing. Allele origin: germline.
Comment: In summary, the available evidence is currently insufficient to determine the role of this variant in disease. Therefore, it has been classified as a Variant of Uncertain Significance. Algorithms developed to predict the effect of missense changes on protein structure and function output the following: SIFT: "Deleterious"; PolyPhen-2: "Benign"; Align-GVGD: "Class C0". The leucine amino acid residue is found in multiple mammalian species, suggesting that this missense change does not adversely affect protein function. These predictions have not been confirmed by published functional studies and their clinical significance is uncertain. This variant has not been reported in the literature in individuals with RANBP2-related disease. This variant is not present in population databases (ExAC no frequency). This sequence change replaces phenylalanine with leucine at codon 1775 of the RANBP2 protein (p.Phe1775Leu). The phenylalanine residue is weakly conserved and there is a small physicochemical difference between phenylalanine and leucine.

NM_006267.5(RANBP2):c.5323T>C (p.Phe1775Leu)

Gene: RANBP2 (RAN binding protein 2; plus strand). Cytogenetic location: 2q13.
Variant type: single nucleotide variant.
Coding change: c.5323T>C on transcript NM_006267.5 (MANE Select); coding-DNA position 5323, T replaced by C.
Protein change: p.Phe1775Leu; replaces phenylalanine 1775 with leucine.
Molecular consequence: missense variant.
Genome position (GRCh38, 1-based): chr2:108,765,862, T>C. VCF-style: chr2-108765862-T-C. GRCh37 (hg19) VCF-style: chr2-109382318-T-C.
Other names: short protein forms F1775L.
Identifiers: ClinVar variation 647753 (VCV000647753.9), dbSNP rs1573814995, ClinGen allele CA348071916.